The following is an entry in ClinVar:

NM_016004.5(IFT52):c.490C>T (p.Leu164Phe)

Gene: IFT52 (intraflagellar transport 52; plus strand). Cytogenetic location: 20q13.12.
Variant type: single nucleotide variant.
Coding change: c.490C>T on transcript NM_016004.5 (MANE Select); coding-DNA position 490, C replaced by T.
Protein change: p.Leu164Phe; replaces leucine 164 with phenylalanine.
Molecular consequence: missense variant. On other transcripts: 5 prime UTR variant (4).
Genome position (GRCh38, 1-based): chr20:43,613,854, C>T. VCF-style: chr20-43613854-C-T. GRCh37 (hg19) VCF-style: chr20-42242494-C-T.
Other names: c.490C>T (NM_016004.2); c.490C>T, p.Leu164Phe (NM_001303458.3, NM_001303459.3); c.-39C>T (NM_001323578.2, NM_001323580.2); c.-275C>T (NM_001323579.2, NM_001323581.2); short protein forms L164F.
Identifiers: ClinVar variation 1910650 (VCV001910650.8), dbSNP rs368598294, ClinGen allele CA9866912.

ClinVar aggregate classification (germline): Uncertain significance. Review status: criteria provided, multiple submitters, no conflicts (2 of 4 stars). 2 submissions from 2 submitters: Uncertain significance (2). Last evaluated 2025-10-02.

Allele frequency attached by ClinVar (database versions not stated): TOPMed 0.00002; ExAC 0.00003; gnomAD 0.00007; ESP Exome Variant Server 0.00008.
gnomAD v4.1: 34 of 1,613,464 alleles (0.0021%); highest among the groups gnomAD compares: Non-Finnish European, 0.0028%; no homozygotes.

Submissions (2):

Ambry Genetics
Classification: Uncertain significance. Last evaluated: 2025-10-02. Review status: criteria provided, single submitter. Criteria: Ambry Variant Classification Scheme 2023. Collection method: clinical testing. Allele origin: germline.

Labcorp Genetics (formerly Invitae), Labcorp
Classification: Uncertain significance. Last evaluated: 2025-05-01. Review status: criteria provided, single submitter. Criteria: Invitae Variant Classification Sherloc (09022015). Collection method: clinical testing. Allele origin: germline.
Comment: This sequence change replaces leucine, which is neutral and non-polar, with phenylalanine, which is neutral and non-polar, at codon 164 of the IFT52 protein (p.Leu164Phe). This variant is present in population databases (rs368598294, gnomAD 0.009%). This variant has not been reported in the literature in individuals affected with IFT52-related conditions. ClinVar contains an entry for this variant (Variation ID: 1910650). Invitae Evidence Modeling of protein sequence and biophysical properties (such as structural, functional, and spatial information, amino acid conservation, physicochemical variation, residue mobility, and thermodynamic stability) indicates that this missense variant is not expected to disrupt IFT52 protein function with a negative predictive value of 80%. In summary, the available evidence is currently insufficient to determine the role of this variant in disease. Therefore, it has been classified as a Variant of Uncertain Significance.